The following is an entry in ClinVar:

ClinVar aggregate classification (germline): Likely pathogenic (1 of 4 stars; one submission).

Allele frequency attached by ClinVar (database versions not stated): TOPMed below 0.00001.

Submission:

Labcorp Genetics (formerly Invitae), Labcorp
Classification: Likely pathogenic. Last evaluated: 2023-11-02. Review status: criteria provided, single submitter. Criteria: Invitae Variant Classification Sherloc (09022015). Collection method: clinical testing. Allele origin: germline.
Comment: This sequence change affects a donor splice site in intron 54 of the COL27A1 gene. It is expected to disrupt RNA splicing. Variants that disrupt the donor or acceptor splice site typically lead to a loss of protein function (PMID: 16199547), and loss-of-function variants in COL27A1 are known to be pathogenic (PMID: 24986830, 28276056). This variant is not present in population databases (gnomAD no frequency). This variant has not been reported in the literature in individuals affected with COL27A1-related conditions. Algorithms developed to predict the effect of sequence changes on RNA splicing suggest that this variant may disrupt the consensus splice site. In summary, the currently available evidence indicates that the variant is pathogenic, but additional data are needed to prove that conclusively. Therefore, this variant has been classified as Likely Pathogenic.

Literature cited by the submitters: PubMed 16199547; PubMed 24986830; PubMed 28276056.

NM_032888.4(COL27A1):c.4809+1G>A

Gene: COL27A1 (collagen type XXVII alpha 1 chain; plus strand). Cytogenetic location: 9q32.
Variant type: single nucleotide variant.
Coding change: c.4809+1G>A on transcript NM_032888.4 (MANE Select); the canonical splice donor site of the intron after coding-DNA position 4809, G replaced by A.
Molecular consequence: splice donor variant.
Genome position (GRCh38, 1-based): chr9:114,301,463, G>A. VCF-style: chr9-114301463-G-A. GRCh37 (hg19) VCF-style: chr9-117063743-G-A.
Identifiers: ClinVar variation 2692865 (VCV002692865.3), dbSNP rs766405509, ClinGen allele CA374594011.
Genomic context (GRCh38, chr9:114,301,463, plus strand): 5'-CCAGGTTCCCTAACTCTCTCCCCTGCTTCTGTCTCCCTCCAGGGATTGCAAGGTCCGAGG[G>A]TGAGTGGGCTGGGCATGAGGGCTGTGGGGCGGGGCGTGGGGCGGGCACCCTGCATTCTCC-3'